The following is an entry in ClinVar:

ClinVar aggregate classification (germline): Uncertain significance (1 of 4 stars; one submission).

gnomAD v4.1: 2 of 1,593,816 alleles (0.00013%); highest among the groups gnomAD compares: Non-Finnish European, 0.00017%; no homozygotes.

Submission:

Labcorp Genetics (formerly Invitae), Labcorp
Classification: Uncertain significance. Last evaluated: 2022-06-20. Review status: criteria provided, single submitter. Criteria: Invitae Variant Classification Sherloc (09022015). Collection method: clinical testing. Allele origin: germline.
Comment: In summary, the available evidence is currently insufficient to determine the role of this variant in disease. Therefore, it has been classified as a Variant of Uncertain Significance. Algorithms developed to predict the effect of missense changes on protein structure and function are either unavailable or do not agree on the potential impact of this missense change (SIFT: "Deleterious"; PolyPhen-2: "Possibly Damaging"; Align-GVGD: "Class C0"). This variant has not been reported in the literature in individuals affected with TRAF3IP1-related conditions. This variant is not present in population databases (gnomAD no frequency). This sequence change replaces lysine, which is basic and polar, with arginine, which is basic and polar, at codon 364 of the TRAF3IP1 protein (p.Lys364Arg).

NM_015650.4(TRAF3IP1):c.1091A>G (p.Lys364Arg)

Gene: TRAF3IP1 (TRAF3 interacting protein 1; plus strand). Cytogenetic location: 2q37.3.
Variant type: single nucleotide variant.
Coding change: c.1091A>G on transcript NM_015650.4 (MANE Select); coding-DNA position 1091, A replaced by G.
Protein change: p.Lys364Arg; replaces lysine 364 with arginine.
Molecular consequence: missense variant. On other transcripts: intron variant (1).
Genome position (GRCh38, 1-based): chr2:238,338,389, A>G. VCF-style: chr2-238338389-A-G. GRCh37 (hg19) VCF-style: chr2-239247030-A-G.
Other names: c.1063+4354A>G (NM_001139490.1); short protein forms K364R.
Identifiers: ClinVar variation 1505025 (VCV001505025.6), dbSNP rs2106377226, ClinGen allele CA351249204.
Genomic context (GRCh38, chr2:238,338,389, plus strand): 5'-TATTTTAATCTGTTGTTAACTATTTTATGTCAGGAAGGAAGGAGGATAATATTTCAGCTA[A>G]AAGTTTAGACTCCATAGTGTCTGGAATAAATAATGAGCCAAATCAGGAAACGACAACATC-3'
Protein context (NP_056465.2, residues 354-374): EGRKEDNISA[Lys364Arg]SLDSIVSGIN